The following is an entry in ClinVar:

NM_017547.4(FOXRED1):c.810+2T>G

Gene: FOXRED1 (FAD dependent oxidoreductase domain containing 1; plus strand). Cytogenetic location: 11q24.2.
Variant type: single nucleotide variant.
Coding change: c.810+2T>G on transcript NM_017547.4 (MANE Select); the canonical splice donor site of the intron after coding-DNA position 810, T replaced by G.
Molecular consequence: splice donor variant.
Genome position (GRCh38, 1-based): chr11:126,275,872, T>G. VCF-style: chr11-126275872-T-G. GRCh37 (hg19) VCF-style: chr11-126145767-T-G.
Identifiers: ClinVar variation 2881205 (VCV002881205.4), dbSNP rs761690280, ClinGen allele CA6354215.

ClinVar aggregate classification (germline): Likely pathogenic (1 of 4 stars; one submission).

Allele frequency attached by ClinVar (database versions not stated): ExAC 0.00001; gnomAD 0.00001; gnomAD exomes 0.00001.

Submission:

Labcorp Genetics (formerly Invitae), Labcorp
Classification: Likely pathogenic. Last evaluated: 2023-09-29. Review status: criteria provided, single submitter. Criteria: Invitae Variant Classification Sherloc (09022015). Collection method: clinical testing. Allele origin: germline.
Comment: In summary, the currently available evidence indicates that the variant is pathogenic, but additional data are needed to prove that conclusively. Therefore, this variant has been classified as Likely Pathogenic. Algorithms developed to predict the effect of sequence changes on RNA splicing suggest that this variant may disrupt the consensus splice site. This variant has not been reported in the literature in individuals affected with FOXRED1-related conditions. This variant is present in population databases (rs761690280, gnomAD 0.02%). This sequence change affects a donor splice site in intron 7 of the FOXRED1 gene. It is expected to disrupt RNA splicing. Variants that disrupt the donor or acceptor splice site typically lead to a loss of protein function (PMID: 16199547), and loss-of-function variants in FOXRED1 are known to be pathogenic (PMID: 20818383, 20858599).

Literature cited by the submitters: PubMed 16199547; PubMed 20818383; PubMed 20858599.